The following is an entry in ClinVar:

ClinVar aggregate classification (germline): Uncertain significance (1 of 4 stars; one submission).

Conditions:
Glycogen storage disease, type I. Identifiers: Orphanet 364, MedGen C0017920, MONDO:0002413.

Submission:

Myriad Genetics, Inc.
Classification: Uncertain significance for Glycogen storage disease, type I. Last evaluated: 2026-04-02. Review status: criteria provided, single submitter. Criteria: Myriad Autosomal Dominant, Autosomal Recessive and X-Linked Classification Criteria (2023). Collection method: clinical testing. Allele origin: unknown.
Comment: NM_001164277.1(SLC37A4):c.638A>G(E213G) is a missense variant classified as a variant of uncertain significance in the context of glycogen storage disease type Ib. E213G has not been observed in cases with relevant disease. Relevant functional assessments of this variant are not available in the literature. E213G has not been observed in referenced population frequency databases. In summary, there is insufficient evidence to classify NM_001164277.1(SLC37A4):c.638A>G(E213G) as pathogenic or benign. Please note: this variant was assessed in the context of healthy population screening.

NM_001164277.2(SLC37A4):c.638A>G (p.Glu213Gly)

Gene: SLC37A4 (solute carrier family 37 member 4; minus strand). Cytogenetic location: 11q23.3.
Variant type: single nucleotide variant.
Coding change: c.638A>G on transcript NM_001164277.2 (MANE Select); coding-DNA position 638, A replaced by G.
Protein change: p.Glu213Gly; replaces glutamic acid 213 with glycine.
Molecular consequence: missense variant.
Genome position (GRCh38, 1-based): chr11:119,027,083, T>C on the plus strand (A>G on the coding strand, the complement: SLC37A4 is on the minus strand). VCF-style: chr11-119027083-T-C. GRCh37 (hg19) VCF-style: chr11-118897793-T-C.
Other names: c.638A>G, p.Glu213Gly (NM_001164278.2, NM_001164280.2, NM_001467.6); c.419A>G, p.Glu140Gly (NM_001164279.2); short protein forms E140G, E213G.
Identifiers: ClinVar variation 5004580 (VCV005004580.1).